The following is an entry in ClinVar:

NM_022765.4(MICAL1):c.62_63delinsCC (p.Gln21Pro)

Gene: MICAL1 (microtubule associated monooxygenase, calponin and LIM domain containing 1; minus strand). Cytogenetic location: 6q21.
Variant type: Indel.
Coding change: c.62_63delinsCC on transcript NM_022765.4 (MANE Select); coding-DNA positions 62 to 63, AG replaced by CC.
Protein change: p.Gln21Pro; replaces glutamine 21 with proline.
Molecular consequence: missense variant.
Genome position (GRCh38, 1-based): chr6:109,454,134-109,454,135, CT replaced by GG on the plus strand (AG replaced by CC on the coding strand, the reverse complement: MICAL1 is on the minus strand). VCF-style: chr6-109454134-CT-GG. GRCh37 (hg19) VCF-style: chr6-109775337-CT-GG.
Other names: c.62_63delinsCC, p.Gln21Pro (NM_001159291.2); c.119_120delinsCC, p.Gln40Pro (NM_001286613.2); short protein forms Q21P, Q40P.
Identifiers: ClinVar variation 3622993 (VCV003622993.2).
Genomic context (GRCh38, chr6:109,454,134, plus strand): 5'-GGGTTCCAGCCCCAGGGCCCCACACAGCTCCTGGAAGCTGCTCAGCACGTCCTGGCACAG[CT>GG]GGGCCTGCAGGAAGCTCTCAAAGTGGGCATGCGCTGGGTTGGTGGAGGTAGGTGAAGCCA-3'
Protein context (NP_073602.3, residues 11-31): HAHFESFLQA[Gln21Pro]LCQDVLSSFQ

ClinVar aggregate classification (germline): Uncertain significance (1 of 4 stars; one submission).

Submission:

Labcorp Genetics (formerly Invitae), Labcorp
Classification: Uncertain significance. Last evaluated: 2025-01-09. Review status: criteria provided, single submitter. Criteria: Invitae Variant Classification Sherloc (09022015). Collection method: clinical testing. Allele origin: germline.
Comment: This sequence change replaces glutamine, which is neutral and polar, with proline, which is neutral and non-polar, at codon 40 of the MICAL1 protein (p.Gln40Pro). This variant is present in population databases (no rsID available, gnomAD 0.0004%). This variant has not been reported in the literature in individuals affected with MICAL1-related conditions. An algorithm developed to predict the effect of missense changes on protein structure and function (PolyPhen-2) suggests that this variant is likely to be disruptive. In summary, the available evidence is currently insufficient to determine the role of this variant in disease. Therefore, it has been classified as a Variant of Uncertain Significance.